The following is an entry in ClinVar:

NM_001287.6(CLCN7):c.718G>A (p.Gly240Arg)

Gene: CLCN7 (chloride voltage-gated channel 7; minus strand). Cytogenetic location: 16p13.3.
Variant type: single nucleotide variant.
Coding change: c.718G>A on transcript NM_001287.6 (MANE Select); coding-DNA position 718, G replaced by A.
Protein change: p.Gly240Arg; replaces glycine 240 with arginine.
Molecular consequence: missense variant.
Genome position (GRCh38, 1-based): chr16:1,457,714, C>T on the plus strand (G>A on the coding strand, the complement: CLCN7 is on the minus strand). VCF-style: chr16-1457714-C-T. GRCh37 (hg19) VCF-style: chr16-1507715-C-T.
Other names: c.646G>A, p.Gly216Arg (NM_001114331.3); short protein forms G240R, G216R.
Identifiers: ClinVar variation 1458929 (VCV001458929.8), dbSNP rs1360480518, ClinGen allele CA394191202.
Genomic context (GRCh38, chr16:1,457,714, plus strand): 5'-CCTCAGGCTCCAGCTGGAGTGGCCATGTGCACTTTGTTACCTTTCCCACGGCCAGGCCCC[C>T]GACCACGGACAGGATCACACCGGACACTTTGATCACCAACGTCTGAAACACAGGGAGACG-3'
Protein context (NP_001278.1, residues 230-250): KVSGVILSVV[Gly240Arg]GLAVGKEGPM

ClinVar aggregate classification (germline): Pathogenic (1 of 4 stars; one submission).

Allele frequency attached by ClinVar (database versions not stated): gnomAD exomes 0.00001; TOPMed 0.00001; gnomAD 0.00003 and 0.00004.
gnomAD v4.1: 23 of 1,613,784 alleles (0.0014%); highest among the groups gnomAD compares: Middle Eastern, 0.016%; no homozygotes.

Submission:

Labcorp Genetics (formerly Invitae), Labcorp
Classification: Pathogenic. Last evaluated: 2025-04-11. Review status: criteria provided, single submitter. Criteria: Invitae Variant Classification Sherloc (09022015). Collection method: clinical testing. Allele origin: germline.
Comment: This sequence change replaces glycine, which is neutral and non-polar, with arginine, which is basic and polar, at codon 240 of the CLCN7 protein (p.Gly240Arg). This variant is present in population databases (no rsID available, gnomAD 0.007%). This missense change has been observed in individual(s) with autosomal recessive osteopetrosis (PMID: 14584882, 19953639). In at least one individual the data is consistent with being in trans (on the opposite chromosome) from a pathogenic variant. ClinVar contains an entry for this variant (Variation ID: 1458929). Invitae Evidence Modeling of protein sequence and biophysical properties (such as structural, functional, and spatial information, amino acid conservation, physicochemical variation, residue mobility, and thermodynamic stability) indicates that this missense variant is expected to disrupt CLCN7 protein function with a positive predictive value of 95%. For these reasons, this variant has been classified as Pathogenic.

Literature cited by the submitters: PubMed 14584882; PubMed 19953639.